The following is an entry in ClinVar:

ClinVar aggregate classification (germline): Likely pathogenic (1 of 4 stars; one submission).

Conditions:
Familial thoracic aortic aneurysm and aortic dissection (TAAD). Also called: Thoracic aortic aneurysms and dissections. Identifiers: Orphanet 91387, MedGen C4707243, MONDO:0019625.

Submission:

Genetics and Molecular Pathology, SA Pathology
Classification: Likely pathogenic for Familial thoracic aortic aneurysm and aortic dissection. Last evaluated: 2023-01-30. Review status: criteria provided, single submitter. Criteria: ACMG Guidelines, 2015. Collection method: clinical testing. Allele origin: germline. Affected: yes.
Comment: The COL3A1 c.636+1G>T variant is classified as Likely Pathogenic (PVS1, PM2) The COL3A1 c.636+1G>T variant is located in a splice donor region. Computational predictions support a deleterious effect on splicing and a likely disruption of the protein reading frame (PVS1). This variant is absent from population databases (PM2). This variant has not been reported in dbSNP, ClinVar or HGMD. A variant at the same nucleotide (c.636+1G>A) has been previously reported as disease causing in an individual with Ehlers-Danlos syndrome type 4 (ClinVar#101433/HGMD CS#1412432).

NM_000090.4(COL3A1):c.636+1G>T

Gene: COL3A1 (collagen type III alpha 1 chain; plus strand). Cytogenetic location: 2q32.2.
Variant type: single nucleotide variant.
Coding change: c.636+1G>T on transcript NM_000090.4 (MANE Select); the canonical splice donor site of the intron after coding-DNA position 636, G replaced by T.
Molecular consequence: splice donor variant.
Genome position (GRCh38, 1-based): chr2:188,988,644, G>T. VCF-style: chr2-188988644-G-T. GRCh37 (hg19) VCF-style: chr2-189853370-G-T.
Identifiers: ClinVar variation 2664689 (VCV002664689.1), dbSNP rs587779676, ClinGen allele CA349848415.